The following is an entry in ClinVar:

NM_001287491.2(TET3):c.4747G>C (p.Gly1583Arg)

Gene: TET3 (tet methylcytosine dioxygenase 3; plus strand). Cytogenetic location: 2p13.1.
Variant type: single nucleotide variant.
Coding change: c.4747G>C on transcript NM_001287491.2 (MANE Select); coding-DNA position 4747, G replaced by C.
Protein change: p.Gly1583Arg; replaces glycine 1583 with arginine.
Molecular consequence: missense variant.
Genome position (GRCh38, 1-based): chr2:74,101,535, G>C. VCF-style: chr2-74101535-G-C. GRCh37 (hg19) VCF-style: chr2-74328662-G-C.
Other names: c.4468G>C, p.Gly1490Arg (NM_001366022.1); short protein forms G1490R, G1583R.
Identifiers: ClinVar variation 4070648 (VCV004070648.1).

ClinVar aggregate classification (germline): Uncertain significance (1 of 4 stars; one submission).

Submission:

GeneDx
Classification: Uncertain significance. Last evaluated: 2025-01-07. Review status: criteria provided, single submitter. Criteria: GeneDx Variant Classification Process June 2021. Collection method: clinical testing. Allele origin: germline. Affected: yes.
Comment: Not observed at significant frequency in large population cohorts (gnomAD); In silico analysis indicates that this missense variant does not alter protein structure/function; Has not been previously published as pathogenic or benign to our knowledge